The following is an entry in ClinVar:

ClinVar aggregate classification (germline): Uncertain significance (1 of 4 stars; one submission).

Submission:

Dasa
Classification: Uncertain significance. Last evaluated: 2025-11-01. Review status: criteria provided, single submitter. Criteria: DASA Assertion Criteria. Collection method: clinical testing. Allele origin: germline.
Comment: NM_001378452.1(ITPR1):c.-92-5T>C is an intronic variant. This variant is rare in population databases. The currently available literature and clinical evidence are not sufficient to establish a definitive association between this variant and the reported condition. Therefore, this variant is classified as a variant of uncertain significance.

NM_001378452.1(ITPR1):c.-92-5T>C

Gene: ITPR1 (inositol 1,4,5-trisphosphate receptor type 1; plus strand). Cytogenetic location: 3p26.1.
Variant type: single nucleotide variant.
Coding change: c.-92-5T>C on transcript NM_001378452.1 (MANE Select); 5 bases into the intron before 92 bases upstream of the start codon, T replaced by C.
Molecular consequence: intron variant.
Genome position (GRCh38, 1-based): chr3:4,494,426, T>C. VCF-style: chr3-4494426-T-C. GRCh37 (hg19) VCF-style: chr3-4536110-T-C.
Other names: c.-92-5T>C (NM_001099952.4, NM_001168272.2, NM_002222.7).
Identifiers: ClinVar variation 4882178 (VCV004882178.2).
Genomic context (GRCh38, chr3:4,494,426, plus strand): 5'-GCATTTCTGTTAGAGCTCATCTTCCGCGGTCTGGTACTCAGTCTTCTTTCTTTCTAAATA[T>C]TTAGGAGCTGACTACAGAGGAGCAGGATTTGCACCCCTCGCTGGGCTTGCTTTGGCAACA-3'